The following is an entry in ClinVar:

ClinVar aggregate classification (germline): Uncertain significance. Review status: criteria provided, multiple submitters, no conflicts (2 of 4 stars). 7 submissions from 7 submitters: Uncertain significance (6). 1 of the submissions does not count toward it. Last evaluated 2025-10-29.

Conditions:
Hereditary cancer-predisposing syndrome. Also called: Neoplastic Syndromes, Hereditary; Hereditary Cancer Syndrome; Tumor predisposition; Hereditary neoplastic syndrome. Identifiers: Orphanet 140162, MedGen C0027672, MeSH D009386, MONDO:0015356.
ATM-related cancer predisposition. Also called: ATM-related cancer susceptibility. Identifiers: MedGen CN377759, MONDO:0700270.
Ataxia-telangiectasia syndrome (AT). Also called: LOUIS-BAR SYNDROME; Cerebello-oculocutaneous telangiectasia; Immunodeficiency with ataxia telangiectasia; Ataxia-telangiectasia, complementation group D; AT, COMPLEMENTATION GROUP C; Ataxia-telangiectasia, complementation group E. Identifiers: Orphanet 100, MedGen C0004135, MONDO:0008840, OMIM 208900.
Familial cancer of breast. Also called: Hereditary breast cancer; BREAST CANCER, FAMILIAL; hereditary breast carcinoma. Identifiers: Orphanet 227535, MedGen C0346153, MONDO:0016419, OMIM 114480. Disease mechanism: loss of function.

Allele frequency attached by ClinVar (database versions not stated): TOPMed below 0.00001; gnomAD exomes below 0.00001.
gnomAD v4.1: 3 of 1,614,092 alleles (0.00019%); highest among the groups gnomAD compares: African/African-American, 0.0013%; no homozygotes.

Submissions (7):

Ambry Genetics
Classification: Uncertain significance for Hereditary cancer-predisposing syndrome. Last evaluated: 2025-10-29. Review status: criteria provided, single submitter. Criteria: Ambry Variant Classification Scheme 2023. Collection method: clinical testing. Allele origin: germline.
Comment: The p.S2389L variant (also known as c.7166C>T), located in coding exon 48 of the ATM gene, results from a C to T substitution at nucleotide position 7166. The serine at codon 2389 is replaced by leucine, an amino acid with dissimilar properties. This amino acid position is highly conserved in available vertebrate species. In addition, this alteration is predicted to be deleterious by in silico analysis. Based on the available evidence, the clinical significance of this variant remains unclear.

Department of Pathology and Laboratory Medicine, Sinai Health System
Classification: Uncertain significance for ATM-related cancer predisposition. Last evaluated: 2024-10-25. Review status: criteria provided, single submitter. Criteria: ACMG Guidelines, 2015. Collection method: clinical testing. Allele origin: germline.

Labcorp Genetics (formerly Invitae), Labcorp
Classification: Uncertain significance for Ataxia-telangiectasia syndrome. Last evaluated: 2024-08-19. Review status: criteria provided, single submitter. Criteria: Invitae Variant Classification Sherloc (09022015). Collection method: clinical testing. Allele origin: germline.
Comment: This sequence change replaces serine, which is neutral and polar, with leucine, which is neutral and non-polar, at codon 2389 of the ATM protein (p.Ser2389Leu). This variant is present in population databases (no rsID available, gnomAD 0.007%). This missense change has been observed in individual(s) with colorectal and breast cancer (PMID: 29596542, 33646313). ClinVar contains an entry for this variant (Variation ID: 393261). An algorithm developed to predict the effect of missense changes on protein structure and function (PolyPhen-2) suggests that this variant is likely to be disruptive. In summary, the available evidence is currently insufficient to determine the role of this variant in disease. Therefore, it has been classified as a Variant of Uncertain Significance.

Baylor Genetics
Classification: Uncertain significance for Familial cancer of breast. Last evaluated: 2024-01-03. Review status: criteria provided, single submitter. Criteria: ACMG Guidelines, 2015. Collection method: clinical testing. Allele origin: unknown.

Color Diagnostics, LLC DBA Color Health
Classification: Uncertain significance for Hereditary cancer-predisposing syndrome. Last evaluated: 2018-09-11. Review status: criteria provided, single submitter. Criteria: ACMG Guidelines, 2015. Collection method: clinical testing. Allele origin: germline.

GeneDx
Classification: Uncertain significance. Last evaluated: 2017-02-06. Review status: criteria provided, single submitter. Criteria: GeneDx Variant Classification (06012015). Collection method: clinical testing. Allele origin: germline. Affected: yes.
Comment: The S2389L variant has not been published as a pathogenic variant, nor has it been reported as a benign variant to our knowledge. The variant was not observed in approximately 6,500 individuals of European and African American ancestry in the NHLBI Exome Sequencing Project, indicating it is not a common benign variant in these populations. S2389L is a non-conservative amino acid substitution, which is likely to impact secondary protein structure as these residues differ in polarity, charge, size and/or other properties. This substitution occurs at a position in the FAT domain that is conserved across species, and in silico analysis predicts this variant is probably damaging to the protein structure/function. Therefore, based on the currently available information, it is unclear whether this variant is a pathogenic variant or a rare benign variant.

Natera, Inc.
Classification: Uncertain significance for Ataxia-telangiectasia. Last evaluated: 2020-07-27. Review status: no assertion criteria provided. Collection method: clinical testing. Allele origin: germline. Not counted in ClinVar's aggregate classification.

Literature cited by the submitters: PubMed 33646313 (cited by Department of Pathology and Laboratory Medicine, Sinai Health System and Labcorp Genetics (formerly Invitae), Labcorp); PubMed 29596542 (cited by Department of Pathology and Laboratory Medicine, Sinai Health System and Labcorp Genetics (formerly Invitae), Labcorp).

NM_000051.4(ATM):c.7166C>T (p.Ser2389Leu)

Genes: ATM (ATM serine/threonine kinase; plus strand), C11orf65 (chromosome 11 open reading frame 65; minus strand). Cytogenetic location: 11q22.3.
Variant type: single nucleotide variant.
Coding change: c.7166C>T on transcript NM_000051.4 (MANE Select); coding-DNA position 7166, C replaced by T.
Protein change: p.Ser2389Leu; replaces serine 2389 with leucine.
Molecular consequence: missense variant. On other transcripts: intron variant (2).
Genome position (GRCh38, 1-based): chr11:108,329,097, C>T. VCF-style: chr11-108329097-C-T. GRCh37 (hg19) VCF-style: chr11-108199824-C-T.
Other names: c.7166C>T (NM_000051.2); c.7166C>T, p.Ser2389Leu (NM_001351834.2); c.641-20026G>A (NM_001330368.2); c.*38+6123G>A (NM_001351110.2); short protein forms S2389L.
Identifiers: ClinVar variation 393261 (VCV000393261.32), dbSNP rs1018140779, ClinGen allele CA16606117.
Genomic context (GRCh38, chr11:108,329,097, plus strand): 5'-GAAATTATGATGGAGAAAGTAGTGATGAGCTAAGAAATGGAAAAATGAAGGCATTTCTCT[C>T]ATTAGCCCGGTTTTCAGATACTCAATACCAAAGAATTGAAAACTACATGAAATCATCGGA-3'
Protein context (NP_000042.3, residues 2379-2399): LRNGKMKAFL[Ser2389Leu]LARFSDTQYQ